The following is an entry in ClinVar:

ClinVar aggregate classification (germline): Uncertain significance (1 of 4 stars; one submission).

Conditions:
CHARGE syndrome (CHARGE). Also called: Hittner Hirsch Kreh syndrome; CHARGE ASSOCIATION--COLOBOMA, HEART ANOMALY, CHOANAL ATRESIA, RETARDATION, GENITAL AND EAR ANOMALIES; Coloboma, heart anomaly, choanal atresia, retardation, genital and ear anomalies; CHARGE association; Hall-Hittner syndrome. Identifiers: Orphanet 138, MedGen C0265354, MONDO:0008965.

Submission:

Labcorp Genetics (formerly Invitae), Labcorp
Classification: Uncertain significance for CHARGE syndrome. Last evaluated: 2023-02-08. Review status: criteria provided, single submitter. Criteria: Invitae Variant Classification Sherloc (09022015). Collection method: clinical testing. Allele origin: germline.
Comment: In summary, the available evidence is currently insufficient to determine the role of this variant in disease. Therefore, it has been classified as a Variant of Uncertain Significance. Advanced modeling of protein sequence and biophysical properties (such as structural, functional, and spatial information, amino acid conservation, physicochemical variation, residue mobility, and thermodynamic stability) performed at Invitae indicates that this missense variant is not expected to disrupt CHD7 protein function. This variant has not been reported in the literature in individuals affected with CHD7-related conditions. This variant is not present in population databases (gnomAD no frequency). This sequence change replaces serine, which is neutral and polar, with cysteine, which is neutral and slightly polar, at codon 294 of the CHD7 protein (p.Ser294Cys).

NM_017780.4(CHD7):c.881C>G (p.Ser294Cys)

Gene: CHD7 (chromodomain helicase DNA binding protein 7; plus strand). Cytogenetic location: 8q12.2.
Variant type: single nucleotide variant.
Coding change: c.881C>G on transcript NM_017780.4 (MANE Select); coding-DNA position 881, C replaced by G.
Protein change: p.Ser294Cys; replaces serine 294 with cysteine.
Molecular consequence: missense variant.
Genome position (GRCh38, 1-based): chr8:60,742,313, C>G. VCF-style: chr8-60742313-C-G. GRCh37 (hg19) VCF-style: chr8-61654872-C-G.
Other names: c.881C>G, p.Ser294Cys (NM_001316690.1); short protein forms S294C.
Identifiers: ClinVar variation 2783385 (VCV002783385.3), dbSNP rs2487272274, ClinGen allele CA371299870.
Genomic context (GRCh38, chr8:60,742,313, plus strand): 5'-GATTCTCCCCGAATCCTCCCCAACAAGGGGCTGTTAGGCCGCAAACCCTTAACTTTAGTT[C>G]TCGGAGCCAGACAGTCCCCTCTCCTACTATAAACAACTCAGGGCAGTATTCTCGATATCC-3'
Protein context (NP_060250.2, residues 284-304): AVRPQTLNFS[Ser294Cys]RSQTVPSPTI